The following is an entry in ClinVar:

NM_000143.4(FH):c.674T>C (p.Phe225Ser)

Gene: FH (fumarate hydratase; minus strand). Cytogenetic location: 1q43.
Variant type: single nucleotide variant.
Coding change: c.674T>C on transcript NM_000143.4 (MANE Select); coding-DNA position 674, T replaced by C.
Protein change: p.Phe225Ser; replaces phenylalanine 225 with serine.
Molecular consequence: missense variant.
Genome position (GRCh38, 1-based): chr1:241,508,667, A>G on the plus strand (T>C on the coding strand, the complement: FH is on the minus strand). VCF-style: chr1-241508667-A-G. GRCh37 (hg19) VCF-style: chr1-241671967-A-G.
Other names: short protein forms F225S.
Identifiers: ClinVar variation 460372 (VCV000460372.12), dbSNP rs149651434, ClinGen allele CA40329413.
Genomic context (GRCh38, chr1:241,508,667, plus strand): 5'-CCAAGAGTAAGTGGAACAGCATCCTGAGTATGAGTACGTCCAATCTTGATGATCTGTGCA[A>G]ACTCTTTGGATTTTGCATCAAGAGCATCATGTAACTTCTGTAGTCCTGGTAACAGTACTT-3'
Protein context (NP_000134.2, residues 215-235): HDALDAKSKE[Phe225Ser]AQIIKIGRTH

ClinVar aggregate classification (germline): Uncertain significance. Review status: criteria provided, multiple submitters, no conflicts (2 of 4 stars). 2 submissions from 2 submitters: Uncertain significance (2). Last evaluated 2026-03-06.

Conditions:
Hereditary cancer-predisposing syndrome. Also called: Tumor predisposition; Hereditary neoplastic syndrome; Neoplastic Syndromes, Hereditary; Hereditary Cancer Syndrome. Identifiers: Orphanet 140162, MedGen C0027672, MeSH D009386, MONDO:0015356.

Allele frequency attached by ClinVar (database versions not stated): gnomAD exomes below 0.00001 and 0.00001; TOPMed below 0.00001; ESP Exome Variant Server 0.00008.
gnomAD v4.1: 20 of 1,613,880 alleles (0.0012%); highest among the groups gnomAD compares: Non-Finnish European, 0.0017%; no homozygotes.

Submissions (3):

Ambry Genetics
Classification: Uncertain significance for Hereditary cancer-predisposing syndrome. Last evaluated: 2026-03-06. Review status: criteria provided, single submitter. Criteria: Ambry Variant Classification Scheme 2023. Collection method: clinical testing. Allele origin: germline.
Comment: The p.F225S variant (also known as c.674T>C), located in coding exon 5 of the FH gene, results from a T to C substitution at nucleotide position 674. The phenylalanine at codon 225 is replaced by serine, an amino acid with highly dissimilar properties. This amino acid position is highly conserved in available vertebrate species. In addition, this alteration is predicted to be deleterious by in silico analysis. Based on the available evidence, the clinical significance of this variant remains unclear.

Labcorp Genetics (formerly Invitae), Labcorp
Classification: Uncertain significance. Last evaluated: 2026-01-27. Review status: criteria provided, single submitter. Criteria: Invitae Variant Classification Sherloc (09022015). Collection method: clinical testing. Allele origin: germline.
Comment: This sequence change replaces phenylalanine, which is neutral and non-polar, with serine, which is neutral and polar, at codon 225 of the FH protein (p.Phe225Ser). This variant is present in population databases (rs149651434, gnomAD 0.0009%). This variant has not been reported in the literature in individuals affected with FH-related conditions. ClinVar contains an entry for this variant (Variation ID: 460372). Invitae Evidence Modeling of protein sequence and biophysical properties (such as structural, functional, and spatial information, amino acid conservation, physicochemical variation, residue mobility, and thermodynamic stability) indicates that this missense variant is expected to disrupt FH protein function with a positive predictive value of 95%. In summary, the available evidence is currently insufficient to determine the role of this variant in disease. Therefore, it has been classified as a Variant of Uncertain Significance.

Blake Wilde Laboratory, Roswell Park Comprehensive Cancer Center
No classification provided (evidence only). Condition: Hereditary leiomyomatosis and renal cell cancer. Review status: no classification provided. Collection method: in vitro. Allele origin: not applicable. Functional consequence: decreased enzyme activity. Not counted in ClinVar's aggregate classification.

Literature cited by the submitters: PubMed 29641532 (cited by Ambry Genetics).